The following is an entry in ClinVar:

NM_000540.3(RYR1):c.5980C>T (p.Arg1994Cys)

Gene: RYR1 (ryanodine receptor 1; plus strand). Cytogenetic location: 19q13.2.
Variant type: single nucleotide variant.
Coding change: c.5980C>T on transcript NM_000540.3 (MANE Select); coding-DNA position 5980, C replaced by T.
Protein change: p.Arg1994Cys; replaces arginine 1994 with cysteine.
Molecular consequence: missense variant.
Genome position (GRCh38, 1-based): chr19:38,490,241, C>T. VCF-style: chr19-38490241-C-T. GRCh37 (hg19) VCF-style: chr19-38980881-C-T.
Other names: c.5980C>T, p.Arg1994Cys (NM_001042723.2); short protein forms R1994C.
Identifiers: ClinVar variation 224383 (VCV000224383.13), dbSNP rs369167120, ClinGen allele CA212146.

ClinVar aggregate classification (germline): Uncertain significance. Review status: criteria provided, multiple submitters, no conflicts (2 of 4 stars). 4 submissions from 4 submitters: Uncertain significance (4). Last evaluated 2025-11-27.

Conditions:
RYR1-related disorder. Also called: RYR1-related disorders; RYR1-related condition. Identifiers: MedGen CN239331.
Malignant hyperthermia, susceptibility to, 1 (MHS1). Also called: Malignant hyperthermia suceptibility 1; RYR1-Related Malignant Hyperthermia Susceptibility; Anesthesia related hyperthermia; Malignant hyperpyrexia; Fulminating hyperpyrexia; Pharmacogenic myopathy. Identifiers: Orphanet 423, MedGen C2930980, MONDO:0007783, OMIM 145600.

Allele frequency attached by ClinVar (database versions not stated): gnomAD 0.00001; gnomAD exomes 0.00001 and 0.00002; TOPMed 0.00002; ESP Exome Variant Server 0.00008.
gnomAD v4.1: 9 of 1,614,162 alleles (0.00056%); highest among the groups gnomAD compares: South Asian, 0.0011%; no homozygotes.

Submissions (4):

Labcorp Genetics (formerly Invitae), Labcorp
Classification: Uncertain significance for RYR1-related disorder. Last evaluated: 2025-11-27. Review status: criteria provided, single submitter. Criteria: Invitae Variant Classification Sherloc (09022015). Collection method: clinical testing. Allele origin: germline.
Comment: This sequence change replaces arginine, which is basic and polar, with cysteine, which is neutral and slightly polar, at codon 1994 of the RYR1 protein (p.Arg1994Cys). This variant is present in population databases (rs369167120, gnomAD 0.004%). This variant has not been reported in the literature in individuals affected with RYR1-related conditions. ClinVar contains an entry for this variant (Variation ID: 224383). Invitae Evidence Modeling of protein sequence and biophysical properties (such as structural, functional, and spatial information, amino acid conservation, physicochemical variation, residue mobility, and thermodynamic stability) has been performed for this missense variant. However, the output from this modeling did not meet the statistical confidence thresholds required to predict the impact of this variant on RYR1 protein function. In summary, the available evidence is currently insufficient to determine the role of this variant in disease. Therefore, it has been classified as a Variant of Uncertain Significance.

All of Us Research Program, National Institutes of Health
Classification: Uncertain significance for Malignant hyperthermia, susceptibility to, 1. Last evaluated: 2024-09-23. Review status: criteria provided, single submitter. Criteria: ACMG Guidelines, 2015. Collection method: clinical testing. Allele origin: germline. Inheritance: Autosomal dominant inheritance. Observed: 2 variant alleles, 2 heterozygotes.
Comment: This missense variant replaces arginine with cysteine at codon 1994 of the RYR1 protein. Computational prediction suggests that this variant may not impact protein structure and function (internally defined REVEL score threshold <= 0.5, PMID: 27666373). To our knowledge, functional studies have not been reported for this variant. This variant has not been reported in individuals affected with RYR1-related disorders in the literature. This variant has been identified in 4/251158 chromosomes in the general population by the Genome Aggregation Database (gnomAD). The available evidence is insufficient to determine the role of this variant in disease conclusively. Therefore, this variant is classified as a Variant of Uncertain Significance.

This study involves interpretation of variants in research participants for the purpose of population health screening. Participant phenotype was not available at the time of variant classification. Additional details can be found in publication PMID: 35346344, PMCID: PMC8962531

GeneDx
Classification: Uncertain significance. Last evaluated: 2018-01-22. Review status: criteria provided, single submitter. Criteria: GeneDx Variant Classification (06012015). Collection method: clinical testing. Allele origin: germline. Affected: yes.
Comment: The R1994C variant has not been published as a pathogenic variant, nor has it been reported as a benign variant to our knowledge. The R1994C variant is not observed in large population cohorts (Lek et al., 2016; 1000 Genomes Consortium et al., 2015; Exome Variant Server). This substitution occurs at a position where amino acids with similar properties to Arginine are tolerated across species. However, this variant is a non-conservative amino acid substitution, which is likely to impact secondary protein structure as these residues differ in polarity, charge, size and/or other properties. Additionally, in silico analysis predicts this variant is probably damaging to the protein structure/function.

Biesecker Lab/Clinical Genomics Section, National Institutes of Health
Classification: Uncertain significance for Malignant hyperthermia, susceptibility to, 1. Last evaluated: 2013-07-01. Review status: criteria provided, single submitter. Criteria: Gonsalves et al. 2013. Collection method: research. Allele origin: unknown. Observed: 1 variant allele. Study: ClinSeq.
Comment: The study set was not selected for affection status in relation to any myopathy. Pathogenicity categories were based on literature curation. See Pubmed ID: 24195946 for details.